The following is an entry in ClinVar:

NM_004183.4(BEST1):c.1150del (p.Asp384fs)

Gene: BEST1 (bestrophin 1; plus strand). Cytogenetic location: 11q12.3.
Variant type: Deletion.
Coding change: c.1150del on transcript NM_004183.4 (MANE Select); coding-DNA position 1150, one base deleted (G; older notation c.1150delG).
Protein change: p.Asp384fs; shifts the reading frame from aspartic acid 384.
Molecular consequence: frameshift variant. On other transcripts: non-coding transcript variant (1).
Genome position (GRCh38, 1-based): chr11:61,962,304, G deleted; the last of 2 consecutive G bases (chr11:61,962,303-61,962,304); deleting either gives the same sequence. VCF-style (leftmost placement, unchanged base first): chr11-61962302-AG-A. GRCh37 (hg19) VCF-style: chr11-61729774-AG-A.
Other names: c.970delG, p.Asp324Metfs (NM_001139443.3); c.889del, p.Asp297fs (NM_001300786.2); c.970del, p.Asp324fs (NM_001300787.2); c.832delG, p.Asp278Metfs (NM_001363591.3); c.*45delG (NM_001363592.2); c.178delG, p.Asp60Metfs (NM_001363593.3); short protein forms D278fs, D297fs, D324fs, D384fs, D60fs.
Identifiers: ClinVar variation 3351094 (VCV003351094.2).

ClinVar aggregate classification (germline): Likely pathogenic. Review status: criteria provided, single submitter (1 of 4 stars). 2 submissions from 2 submitters: Likely pathogenic (1). 1 of the submissions does not count toward it. Last evaluated 2021-06-16.

Conditions:
BEST1-related disorder. Also called: BEST1-related condition; BEST1-related disorders. Identifiers: MedGen CN239200.

Submissions (2):

Blueprint Genetics
Classification: Likely pathogenic for BEST1-related disorders. Last evaluated: 2021-06-16. Review status: criteria provided, single submitter. Criteria: ACMG Guidelines, 2015. Collection method: clinical testing. Allele origin: germline. Affected: yes. Observed: 1 variant allele.

PreventionGenetics, part of Exact Sciences
Classification: Likely pathogenic for BEST1-related condition. Last evaluated: 2024-04-05. Review status: no assertion criteria provided. Collection method: clinical testing. Allele origin: germline. Not counted in ClinVar's aggregate classification.
Comment: The BEST1 c.1150delG variant is predicted to result in a frameshift and premature protein termination (p.Asp384Metfs*11). To our knowledge, this variant has not been reported in the literature or in a large population database, indicating this variant is rare. Frameshift variants in BEST1 are expected to be pathogenic. This variant is interpreted as likely pathogenic.